The following is an entry in ClinVar:

NM_000158.4(GBE1):c.1675_1676dup (p.Ser559fs)

Gene: GBE1 (1,4-alpha-glucan branching enzyme 1; minus strand). Cytogenetic location: 3p12.2.
Variant type: Microsatellite.
Coding change: c.1675_1676dup on transcript NM_000158.4 (MANE Select); coding-DNA positions 1675 to 1676, 2 bases duplicated (AG; older notation c.1675_1676dupAG).
Protein change: p.Ser559fs; shifts the reading frame from serine 559.
Molecular consequence: frameshift variant.
Genome position (GRCh38, 1-based): chr3:81,537,038-81,537,039, CT duplicated on the plus strand (AG on the coding strand, the reverse complement: GBE1 is on the minus strand); duplicating any 2 consecutive bases within chr3:81,537,038-81,537,042 gives the same sequence; the c. name uses the placement nearest the transcript's 3' end. VCF-style (leftmost placement, unchanged base first): chr3-81537037-A-ACT. GRCh37 (hg19) VCF-style: chr3-81586188-A-ACT.
Other names: short protein forms S559fs.
Identifiers: ClinVar variation 1069462 (VCV001069462.6), dbSNP rs1412857849, ClinGen allele CA544502700.
Genomic context (GRCh38, chr3:81,537,037, plus strand): 5'-GAACTTGTAGCGAAGAAGGTCGTCGTCAGTTAAATGAAACTGCCGCCTGGCATAATGGTA[A>ACT]CTCTCATTATTTCCTTTTCTTGGGAAGTCTAACCATTCAGGATGCCCAAATTCATTACCT-3'

ClinVar aggregate classification (germline): Pathogenic/Likely pathogenic. Review status: criteria provided, multiple submitters, no conflicts (2 of 4 stars). 2 submissions from 2 submitters: Pathogenic (1); Likely pathogenic (1). Last evaluated 2024-03-20.

Conditions:
Glycogen storage disease IV, classic hepatic. Also called: GSD IV, CLASSIC HEPATIC. Identifiers: MedGen C1856301.
Glycogen storage disease, type IV (GSD4). Also called: Glycogen storage disease due to glycogen branching enzyme deficiency; AMYLOPECTINOSIS; ANDERSEN DISEASE; BRANCHER DEFICIENCY; CIRRHOSIS, FAMILIAL, WITH DEPOSITION OF ABNORMAL GLYCOGEN; GBE1 DEFICIENCY. Identifiers: Orphanet 367, MedGen C0017923, MONDO:0009292, OMIM 232500.

Submissions (2):

Baylor Genetics
Classification: Likely pathogenic for Glycogen storage disease, type IV. Last evaluated: 2024-03-20. Review status: criteria provided, single submitter. Criteria: ACMG Guidelines, 2015. Collection method: clinical testing. Allele origin: unknown.

Labcorp Genetics (formerly Invitae), Labcorp
Classification: Pathogenic for Glycogen storage disease, type IV; Glycogen storage disease IV, classic hepatic. Last evaluated: 2022-10-24. Review status: criteria provided, single submitter. Criteria: Invitae Variant Classification Sherloc (09022015). Collection method: clinical testing. Allele origin: germline.
Comment: This sequence change creates a premature translational stop signal (p.Ser559Argfs*12) in the GBE1 gene. It is expected to result in an absent or disrupted protein product. Loss-of-function variants in GBE1 are known to be pathogenic (PMID: 15452297, 20058079). This variant is not present in population databases (gnomAD no frequency). This variant has not been reported in the literature in individuals affected with GBE1-related conditions. For these reasons, this variant has been classified as Pathogenic.

Literature cited by the submitters: PubMed 15452297 (cited by Labcorp Genetics (formerly Invitae), Labcorp); PubMed 20058079 (cited by Labcorp Genetics (formerly Invitae), Labcorp).